The following is an entry in ClinVar:

NM_032043.3(BRIP1):c.3060_3070delinsTC (p.Pro1021_Gly1024delinsArg)

Gene: BRIP1 (BRCA1 interacting DNA helicase 1; minus strand). Cytogenetic location: 17q23.2.
Variant type: Indel.
Coding change: c.3060_3070delinsTC on transcript NM_032043.3 (MANE Select); coding-DNA positions 3060 to 3070, ACCTGAGCTCG replaced by TC.
Protein change: p.Pro1021_Gly1024delinsArg.
Molecular consequence: inframe indel.
Genome position (GRCh38, 1-based): chr17:61,683,976-61,683,986, CGAGCTCAGGT replaced by GA on the plus strand (ACCTGAGCTCG replaced by TC on the coding strand, the reverse complement: BRIP1 is on the minus strand). VCF-style: chr17-61683976-CGAGCTCAGGT-GA. GRCh37 (hg19) VCF-style: chr17-59761337-CGAGCTCAGGT-GA.
Other names: c.3060_3070del11insTC (NM_032043.2).
Identifiers: ClinVar variation 3261804 (VCV003261804.1).

ClinVar aggregate classification (germline): Uncertain significance (1 of 4 stars; one submission).

Conditions:
Hereditary cancer-predisposing syndrome. Also called: Hereditary Cancer Syndrome; Tumor predisposition; Hereditary neoplastic syndrome; Neoplastic Syndromes, Hereditary. Identifiers: Orphanet 140162, MedGen C0027672, MeSH D009386, MONDO:0015356.

Submission:

Ambry Genetics
Classification: Uncertain significance for Hereditary cancer-predisposing syndrome. Last evaluated: 2024-04-17. Review status: criteria provided, single submitter. Criteria: Ambry Variant Classification Scheme 2023. Collection method: clinical testing. Allele origin: germline.
Comment: The c.3060_3070del11insTC variant (also known as p.P1021_G1024delinsR), located in coding exon 19 of the BRIP1 gene, results from an in-frame deletion of 11 nucleotides (ACCTGAGCTCG) and insertion of 2 nucleotides (TC) at positions 3060 to 3070. This results in the deletion of of 4 residues (PELG) and insertion of an arginine residue at codons 1021 to 1024. This amino acid region is not well conserved in available vertebrate species. In addition, the in silico prediction for this alteration is inconclusive (Choi Y et al. PLoS ONE. 2012; 7(10):e46688). Based on the available evidence, the clinical significance of this variant remains unclear.